The following is an entry in ClinVar:

ClinVar aggregate classification (germline): Conflicting classifications of pathogenicity. Review status: criteria provided, conflicting classifications (1 of 4 stars). 2 submissions from 2 submitters: Uncertain significance (1); Likely benign (1). Last evaluated 2025-12-18.

Conditions:
Long QT syndrome (LQTS). Identifiers: MedGen C0023976, MeSH D008133, MONDO:0002442. Disease mechanism: loss of function. Inheritance: Various modes of inheritance.
Cardiovascular phenotype. Identifiers: MedGen CN230736.

Allele frequency attached by ClinVar (database versions not stated): ExAC 0.00001; TOPMed 0.00001.
gnomAD v4.1: 20 of 1,614,124 alleles (0.0012%); highest among the groups gnomAD compares: South Asian, 0.0033%; no homozygotes.

Submissions (2):

Ambry Genetics
Classification: Likely benign for Cardiovascular phenotype. Last evaluated: 2025-12-18. Review status: criteria provided, single submitter. Criteria: Ambry Variant Classification Scheme 2023. Collection method: clinical testing. Allele origin: germline.

Labcorp Genetics (formerly Invitae), Labcorp
Classification: Uncertain significance for Long QT syndrome. Last evaluated: 2025-06-27. Review status: criteria provided, single submitter. Criteria: Invitae Variant Classification Sherloc (09022015). Collection method: clinical testing. Allele origin: germline.
Comment: This sequence change replaces arginine, which is basic and polar, with tryptophan, which is neutral and slightly polar, at codon 3310 of the AKAP9 protein (p.Arg3310Trp). This variant is present in population databases (rs779243745, gnomAD 0.006%). This variant has not been reported in the literature in individuals affected with AKAP9-related conditions. ClinVar contains an entry for this variant (Variation ID: 1987731). An algorithm developed to predict the effect of missense changes on protein structure and function (PolyPhen-2) suggests that this variant is likely to be disruptive. In summary, the available evidence is currently insufficient to determine the role of this variant in disease. Therefore, it has been classified as a Variant of Uncertain Significance.

NM_005751.5(AKAP9):c.9928C>T (p.Arg3310Trp)

Gene: AKAP9 (A-kinase anchoring protein 9; plus strand). Cytogenetic location: 7q21.2.
Variant type: single nucleotide variant.
Coding change: c.9928C>T on transcript NM_005751.5 (MANE Select); coding-DNA position 9928, C replaced by T.
Protein change: p.Arg3310Trp; replaces arginine 3310 with tryptophan.
Molecular consequence: missense variant.
Genome position (GRCh38, 1-based): chr7:92,096,887, C>T. VCF-style: chr7-92096887-C-T. GRCh37 (hg19) VCF-style: chr7-91726201-C-T.
Other names: c.4573C>T, p.Arg1525Trp (NM_001379277.1); c.9904C>T, p.Arg3302Trp (NM_147185.3); short protein forms R3310W, R1525W, R3302W.
Identifiers: ClinVar variation 1987731 (VCV001987731.5), dbSNP rs779243745, ClinGen allele CA4337870.